The following is an entry in ClinVar:

NM_006006.6(ZBTB16):c.90C>T (p.Ala30=)

Gene: ZBTB16 (zinc finger and BTB domain containing 16; plus strand). Cytogenetic location: 11q23.2.
Variant type: single nucleotide variant.
Coding change: c.90C>T on transcript NM_006006.6 (MANE Select); coding-DNA position 90, C replaced by T.
Protein change: p.Ala30=; no amino-acid change (alanine 30 retained).
Molecular consequence: synonymous variant.
Genome position (GRCh38, 1-based): chr11:114,063,390, C>T. VCF-style: chr11-114063390-C-T. GRCh37 (hg19) VCF-style: chr11-113934112-C-T.
Other names: c.90C>T, p.Ala30= (NM_001018011.3, NM_001354750.2, NM_001354751.2 and 1 more transcripts).
Identifiers: ClinVar variation 2642385 (VCV002642385.24), dbSNP rs150708066, ClinGen allele CA6284974.
Genomic context (GRCh38, chr11:114,063,390, plus strand): 5'-GCTGCAGAACCCTAGCCACCCCACGGGGCTACTGTGCAAGGCCAACCAGATGCGGCTGGC[C>T]GGGACTTTGTGCGATGTGGTCATCATGGTGGACAGCCAGGAGTTCCACGCCCACCGGACG-3'
Protein context (NP_005997.2, residues 20-40): LLCKANQMRL[Ala30=]GTLCDVVIMV

ClinVar aggregate classification (germline): Likely benign (1 of 4 stars; one submission).

Allele frequency attached by ClinVar (database versions not stated): ESP Exome Variant Server 0.00015.
gnomAD v4.1: 274 of 1,613,978 alleles (0.017%); highest among the groups gnomAD compares: Non-Finnish European, 0.021%; no homozygotes.

Submission:

CeGaT Center for Human Genetics Tuebingen
Classification: Likely benign. Last evaluated: 2023-04-01. Review status: criteria provided, single submitter. Criteria: CeGaT Center For Human Genetics Tuebingen Variant Classification Criteria Version 2. Collection method: clinical testing. Allele origin: germline. Affected: yes. Observed: 2 variant alleles.
Comment: ZBTB16: BP4, BP7